The following is an entry in ClinVar:

ClinVar aggregate classification (germline): Pathogenic (1 of 4 stars; one submission).

Submission:

Labcorp Genetics (formerly Invitae), Labcorp
Classification: Pathogenic. Last evaluated: 2023-12-07. Review status: criteria provided, single submitter. Criteria: Invitae Variant Classification Sherloc (09022015). Collection method: clinical testing. Allele origin: germline.
Comment: This sequence change replaces glycine, which is neutral and non-polar, with arginine, which is basic and polar, at codon 585 of the COL4A5 protein (p.Gly585Arg). This variant is not present in population databases (gnomAD no frequency). This missense change has been observed in individuals with clinical features of Alport syndrome (PMID: 31328266; Invitae). ClinVar contains an entry for this variant (Variation ID: 2015063). Advanced modeling of protein sequence and biophysical properties (such as structural, functional, and spatial information, amino acid conservation, physicochemical variation, residue mobility, and thermodynamic stability) performed at Invitae indicates that this missense variant is expected to disrupt COL4A5 protein function with a positive predictive value of 95%. This variant disrupts the triple helix domain of COL4A5. Glycine residues within the Gly-Xaa-Yaa repeats of the triple helix domain are required for the structure and stability of fibrillar collagens (PMID: 7695699, 8218237, 19344236). In COL4A5, missense variants at these glycine residues are significantly enriched in individuals with disease (PMID: 23720012, 27627812) compared to the general population (ExAC). This variant disrupts the p.Gly585 amino acid residue in COL4A5. Other variant(s) that disrupt this residue have been observed in individuals with COL4A5-related conditions (PMID: 30968591), which suggests that this may be a clinically significant amino acid residue. For these reasons, this variant has been classified as Pathogenic.

Literature cited by the submitters: PubMed 31328266; PubMed 7695699; PubMed 8218237; PubMed 19344236; PubMed 23720012; PubMed 27627812; PubMed 30968591.

NM_033380.3(COL4A5):c.1753G>A (p.Gly585Arg)

Gene: COL4A5 (collagen type IV alpha 5 chain; plus strand). Cytogenetic location: Xq22.3.
Variant type: single nucleotide variant.
Coding change: c.1753G>A on transcript NM_033380.3 (MANE Select); coding-DNA position 1753, G replaced by A.
Protein change: p.Gly585Arg; replaces glycine 585 with arginine.
Molecular consequence: missense variant.
Genome position (GRCh38, 1-based): chrX:108,597,542, G>A. VCF-style: chrX-108597542-G-A. GRCh37 (hg19) VCF-style: chrX-107840772-G-A.
Other names: c.1753G>A, p.Gly585Arg (NM_000495.5); short protein forms G585R.
Identifiers: ClinVar variation 2015063 (VCV002015063.4), dbSNP rs2524308940, ClinGen allele CA413845532.